The following is an entry in ClinVar:

ClinVar aggregate classification (germline): Likely benign (1 of 4 stars; one submission).

Conditions:
MAP1B-related disorder. Also called: MAP1B-related condition.

gnomAD v4.1: 1 of 1,614,152 alleles (0.000062%); highest among the groups gnomAD compares: Non-Finnish European, 0.000085%; no homozygotes.

Submission:

PreventionGenetics, part of Exact Sciences
Classification: Likely benign for MAP1B-related condition. Last evaluated: 2026-01-02. Review status: criteria provided, single submitter. Criteria: ACMG Guidelines, 2015. Collection method: clinical testing. Allele origin: germline.
Comment: This variant is classified as likely benign based on ACMG/AMP sequence variant interpretation guidelines (Richards et al. 2015 PMID: 25741868, with internal and published modifications).

NM_005909.5(MAP1B):c.6051C>T (p.Phe2017=)

Gene: MAP1B (microtubule associated protein 1B; plus strand). Cytogenetic location: 5q13.2.
Variant type: single nucleotide variant.
Coding change: c.6051C>T on transcript NM_005909.5 (MANE Select); coding-DNA position 6051, C replaced by T.
Protein change: p.Phe2017=; no amino-acid change (phenylalanine 2017 retained).
Molecular consequence: synonymous variant.
Genome position (GRCh38, 1-based): chr5:72,199,406, C>T. VCF-style: chr5-72199406-C-T. GRCh37 (hg19) VCF-style: chr5-71495233-C-T.
Other names: c.5673C>T, p.Phe1891= (NM_001324255.2).
Identifiers: ClinVar variation 4996294 (VCV004996294.1).